The following is an entry in ClinVar:

ClinVar aggregate classification (germline): Uncertain significance (1 of 4 stars; one submission).

Conditions:
Duchenne muscular dystrophy (DMD). Also called: MUSCULAR DYSTROPHY, PSEUDOHYPERTROPHIC PROGRESSIVE, DUCHENNE TYPE; Duchenne Muscular Dystrophy (DMD). Identifiers: Orphanet 98896, MedGen C0013264, MONDO:0010679, OMIM 310200.

gnomAD v4.1: 3 of 1,209,620 alleles (0.00025%); highest among the groups gnomAD compares: Non-Finnish European, 0.00034%; no homozygotes.

Submission:

Labcorp Genetics (formerly Invitae), Labcorp
Classification: Uncertain significance for Duchenne muscular dystrophy. Last evaluated: 2024-07-30. Review status: criteria provided, single submitter. Criteria: Invitae Variant Classification Sherloc (09022015). Collection method: clinical testing. Allele origin: germline.
Comment: This sequence change replaces alanine, which is neutral and non-polar, with threonine, which is neutral and polar, at codon 1436 of the DMD protein (p.Ala1436Thr). This variant is not present in population databases (gnomAD no frequency). This variant has not been reported in the literature in individuals affected with DMD-related conditions. Advanced modeling of protein sequence and biophysical properties (such as structural, functional, and spatial information, amino acid conservation, physicochemical variation, residue mobility, and thermodynamic stability) performed at Invitae indicates that this missense variant is not expected to disrupt DMD protein function with a negative predictive value of 95%. In summary, the available evidence is currently insufficient to determine the role of this variant in disease. Therefore, it has been classified as a Variant of Uncertain Significance.

NM_004006.3(DMD):c.4306G>A (p.Ala1436Thr)

Gene: DMD (dystrophin; minus strand). Cytogenetic location: Xp21.1.
Variant type: single nucleotide variant.
Coding change: c.4306G>A on transcript NM_004006.3 (MANE Select); coding-DNA position 4306, G replaced by A.
Protein change: p.Ala1436Thr; replaces alanine 1436 with threonine.
Molecular consequence: missense variant.
Genome position (GRCh38, 1-based): chrX:32,390,109, C>T on the plus strand (G>A on the coding strand, the complement: DMD is on the minus strand). VCF-style: chrX-32390109-C-T. GRCh37 (hg19) VCF-style: chrX-32408226-C-T.
Other names: c.4282G>A, p.Ala1428Thr (NM_000109.4); c.4294G>A, p.Ala1432Thr (NM_004009.3); c.3937G>A, p.Ala1313Thr (NM_004010.3); c.283G>A, p.Ala95Thr (NM_004011.4); c.274G>A, p.Ala92Thr (NM_004012.4); short protein forms A1428T, A1432T, A1436T, A1313T, A95T, A92T.
Identifiers: ClinVar variation 3673517 (VCV003673517.2).